The following is an entry in ClinVar:

ClinVar aggregate classification (germline): Pathogenic/Likely pathogenic. Review status: criteria provided, multiple submitters, no conflicts (2 of 4 stars). 4 submissions from 4 submitters: Pathogenic (2); Likely pathogenic (1). 1 of the submissions does not count toward it. Last evaluated 2023-06-01.

Conditions:
Spinal muscular atrophy (SMA). Identifiers: MedGen C0026847, MeSH D009134, MONDO:0001516, HP:0007269.
Werdnig-Hoffmann disease (SMA1). Also called: SMA I; SMA, INFANTILE ACUTE FORM; MUSCULAR ATROPHY, INFANTILE; HMN (Hereditary Motor Neuropathy) Proximal Type I. Identifiers: Orphanet 83330, MedGen C5848259, MONDO:0009669, OMIM 253300. Disease mechanism: loss of function.

Submissions (4):

Athena Diagnostics
Classification: Pathogenic. Last evaluated: 2023-06-01. Review status: criteria provided, single submitter. Criteria: Athena Diagnostics Criteria. Collection method: clinical testing. Allele origin: unknown.
Comment: Frequency data for this variant in the general population cannot be distinguished from that of the SMN2 gene, and is therefore uninformative in assessment of variant pathogenicity (Genome Aggregation Database (gnomAD), Cambridge, MA (URL)). This variant has been identified in multiple unrelated individuals with clinical features associated with this gene. Assessment of experimental evidence suggests this variant results in abnormal protein function. Studies show this variant causes reduced self-oligomerization, and reduced binding to Sm proteins (PMID: 9590291, 10500148).

Victorian Clinical Genetics Services, Murdoch Childrens Research Institute
Classification: Pathogenic for Spinal muscular atrophy. Last evaluated: 2022-02-02. Review status: criteria provided, single submitter. Criteria: ACMG Guidelines, 2015. Collection method: clinical testing. Allele origin: germline. Inheritance: Autosomal recessive inheritance.
Comment: Based on the classification scheme VCGS_Germline_v1.3.4, this variant is classified as Pathogenic. Following criteria are met: 0102 - Loss of function is a known mechanism of disease in this gene and is associated with spinal muscular atrophy. (I) 0106 - This gene is associated with autosomal recessive disease. (I) 0200 - Variant is predicted to result in a missense amino acid change from tyrosine to cysteine. (I) 0251 - This variant is heterozygous. (I) 0501 - Missense variant is highly conserved with a major amino acid change. (SP) 0604 - Variant is not located in an established domain, motif, hotspot or informative constraint region. (I) 0801 - This variant has strong previous evidence of pathogenicity in unrelated individuals. This is one of the most common pathogenic variants reported in patients with spinal muscular atrophy (PMID: 7813012, 10205265, 10679938, 31301241). (SP) 1208 - Inheritance information for this variant is not currently available. (I) Legend: (SP) - Supporting pathogenic, (I) - Information, (SB) - Supporting benign

Molecular Diagnostics Lab, Nemours Children's Health, Delaware
Classification: Likely pathogenic for Werdnig-Hoffmann disease. Last evaluated: 2016-03-01. Review status: criteria provided, single submitter. Criteria: ACMG Guidelines, 2015. Collection method: clinical testing. Allele origin: paternal, unknown. Affected: yes and no. Observed: 3 variant alleles.

OMIM
Classification: Pathogenic for SPINAL MUSCULAR ATROPHY, TYPE I. Last evaluated: 1995-01-13. Review status: no assertion criteria provided. Collection method: literature only. Allele origin: germline. Not counted in ClinVar's aggregate classification.

Literature cited by the submitters: PubMed 7813012 (cited by 4 submitters); PubMed 14715275 (cited by Athena Diagnostics); PubMed 10732817 (cited by Athena Diagnostics and Molecular Diagnostics Lab, Nemours Children's Health, Delaware); PubMed 15580564 (cited by Athena Diagnostics and Molecular Diagnostics Lab, Nemours Children's Health, Delaware); PubMed 14749338 (cited by Athena Diagnostics); PubMed 15975577 (cited by Athena Diagnostics); PubMed 17635841 (cited by Athena Diagnostics); PubMed 26509018 (cited by Athena Diagnostics); PubMed 17049859 (cited by Athena Diagnostics); PubMed 10205265 (cited by Athena Diagnostics and Victorian Clinical Genetics Services, Murdoch Childrens Research Institute); PubMed 19050931 (cited by Athena Diagnostics); PubMed 11572858 (cited by Athena Diagnostics); PubMed 21584334 (cited by Athena Diagnostics); PubMed 10556301 (cited by Athena Diagnostics); PubMed 11078511 (cited by Athena Diagnostics); PubMed 23615451 (cited by Athena Diagnostics); PubMed 25144193 (cited by Athena Diagnostics); PubMed 27425821 (cited by Athena Diagnostics); PubMed 12374765 (cited by Athena Diagnostics); PubMed 25844556 (cited by Athena Diagnostics); PubMed 9590291 (cited by Athena Diagnostics); PubMed 10500148 (cited by Athena Diagnostics); PubMed 10679938 (cited by Victorian Clinical Genetics Services, Murdoch Childrens Research Institute); PubMed 31301241 (cited by Victorian Clinical Genetics Services, Murdoch Childrens Research Institute).

NM_000344.4(SMN1):c.815A>G (p.Tyr272Cys)

Gene: SMN1 (survival of motor neuron 1, telomeric). Cytogenetic location: 5q13.2.
Variant type: single nucleotide variant.
Coding change: c.815A>G on transcript NM_000344.4 (MANE Select); coding-DNA position 815, A replaced by G.
Protein change: p.Tyr272Cys; replaces tyrosine 272 with cysteine.
Molecular consequence: missense variant.
Genome position (GRCh38, 1-based): chr5:70,946,157, A>G. VCF-style: chr5-70946157-A-G. GRCh37 (hg19) VCF-style: chr5-70241984-A-G.
Other names: c.815A>G, p.Tyr272Cys (NM_001297715.1); c.719A>G, p.Tyr240Cys (NM_022874.2); short protein forms Y272C, Y240C.
Identifiers: ClinVar variation 9166 (VCV000009166.8), dbSNP rs104893922, ClinGen allele CA254677.